The following is an entry in ClinVar:

ClinVar aggregate classification (germline): Likely pathogenic. Review status: criteria provided, multiple submitters, no conflicts (2 of 4 stars). 3 submissions from 3 submitters: Likely pathogenic (2). 1 of the submissions does not count toward it. Last evaluated 2023-09-24.

Conditions:
Deficiency of alpha-mannosidase (MANSA). Also called: Mannosidosis, alpha-, types I and II; Alpha-Mannosidosis; LYSOSOMAL ALPHA-D-MANNOSIDASE DEFICIENCY. Identifiers: Orphanet 61, MedGen C0024748, MONDO:0009561, OMIM 248500.

Allele frequency attached by ClinVar (database versions not stated): TOPMed below 0.00001; gnomAD 0.00001; gnomAD exomes 0.00001; ExAC 0.00002.
gnomAD v4.1: 4 of 1,614,064 alleles (0.00025%); highest among the groups gnomAD compares: African/African-American, 0.0013%; no homozygotes.

Submissions (4):

Labcorp Genetics (formerly Invitae), Labcorp
Classification: Likely pathogenic for Deficiency of alpha-mannosidase. Last evaluated: 2023-09-24. Review status: criteria provided, single submitter. Criteria: Invitae Variant Classification Sherloc (09022015). Collection method: clinical testing. Allele origin: germline.
Comment: This sequence change affects a donor splice site in intron 22 of the MAN2B1 gene. It is expected to disrupt RNA splicing. Variants that disrupt the donor or acceptor splice site typically lead to a loss of protein function (PMID: 16199547), and loss-of-function variants in MAN2B1 are known to be pathogenic (PMID: 9915946, 22161967). This variant is present in population databases (rs768734132, gnomAD 0.002%). This variant has not been reported in the literature in individuals affected with MAN2B1-related conditions. ClinVar contains an entry for this variant (Variation ID: 555682). Algorithms developed to predict the effect of sequence changes on RNA splicing suggest that this variant may disrupt the consensus splice site. In summary, the currently available evidence indicates that the variant is pathogenic, but additional data are needed to prove that conclusively. Therefore, this variant has been classified as Likely Pathogenic.

Baylor Genetics
Classification: Likely pathogenic for Deficiency of alpha-mannosidase. Last evaluated: 2023-02-09. Review status: criteria provided, single submitter. Criteria: ACMG Guidelines, 2015. Collection method: clinical testing. Allele origin: unknown.

Counsyl
Classification: Likely pathogenic for Deficiency of alpha-mannosidase. Last evaluated: 2017-12-28. Review status: no assertion criteria provided. Collection method: clinical testing. Allele origin: unknown. Not counted in ClinVar's aggregate classification.

Dr. Peter K. Rogan Lab, Western University
No classification provided (evidence only). Condition: Melanoma. Review status: no classification provided. Collection method: in vitro. Allele origin: not applicable. Functional consequence: skipped exon, retained intron. Not counted in ClinVar's aggregate classification.

Literature cited by the submitters: PubMed 16199547 (cited by Labcorp Genetics (formerly Invitae), Labcorp); PubMed 9915946 (cited by Labcorp Genetics (formerly Invitae), Labcorp); PubMed 22161967 (cited by Labcorp Genetics (formerly Invitae), Labcorp).

NM_000528.4(MAN2B1):c.2820+1G>A

Gene: MAN2B1 (mannosidase alpha class 2B member 1; minus strand). Cytogenetic location: 19p13.13.
Variant type: single nucleotide variant.
Coding change: c.2820+1G>A on transcript NM_000528.4 (MANE Select); the canonical splice donor site of the intron after coding-DNA position 2820, G replaced by A.
Molecular consequence: splice donor variant.
Genome position (GRCh38, 1-based): chr19:12,647,442, C>T on the plus strand (G>A on the coding strand, the complement: MAN2B1 is on the minus strand). VCF-style: chr19-12647442-C-T. GRCh37 (hg19) VCF-style: chr19-12758256-C-T.
Other names: c.2817+1G>A (NM_001173498.2).
Identifiers: ClinVar variation 555682 (VCV000555682.7), dbSNP rs768734132, ClinGen allele CA9225917.